The following is an entry in ClinVar:

ClinVar aggregate classification (germline): Uncertain significance (1 of 4 stars; one submission).

Conditions:
Ehlers-Danlos syndrome, classic type, 1 (EDSCL1). Also called: EHLERS-DANLOS SYNDROME, GRAVIS TYPE; EHLERS-DANLOS SYNDROME, SEVERE CLASSIC TYPE; Ehlers-Danlos syndrome, type 1; Ehlers-Danlos Syndrome, Classic Type, COL5A1-Related; EDS I. Identifiers: MedGen C0268335, MONDO:0019567, OMIM 130000.

Submission:

Labcorp Genetics (formerly Invitae), Labcorp
Classification: Uncertain significance for Ehlers-Danlos syndrome, classic type, 1. Last evaluated: 2021-06-28. Review status: criteria provided, single submitter. Criteria: Invitae Variant Classification Sherloc (09022015). Collection method: clinical testing. Allele origin: germline.
Comment: This variant has not been reported in the literature in individuals with COL5A1-related conditions. Advanced modeling of protein sequence and biophysical properties (such as structural, functional, and spatial information, amino acid conservation, physicochemical variation, residue mobility, and thermodynamic stability) performed at Invitae indicates that this missense variant is expected to disrupt COL5A1 protein function. In summary, the available evidence is currently insufficient to determine the role of this variant in disease. Therefore, it has been classified as a Variant of Uncertain Significance. This sequence change replaces glycine with arginine at codon 1384 of the COL5A1 protein (p.Gly1384Arg). The glycine residue is highly conserved and there is a moderate physicochemical difference between glycine and arginine. This variant is not present in population databases (ExAC no frequency).

NM_000093.5(COL5A1):c.4150G>C (p.Gly1384Arg)

Gene: COL5A1 (collagen type V alpha 1 chain; plus strand). Cytogenetic location: 9q34.3.
Variant type: single nucleotide variant.
Coding change: c.4150G>C on transcript NM_000093.5 (MANE Select); coding-DNA position 4150, G replaced by C.
Protein change: p.Gly1384Arg; replaces glycine 1384 with arginine.
Molecular consequence: missense variant.
Genome position (GRCh38, 1-based): chr9:134,817,053, G>C. VCF-style: chr9-134817053-G-C. GRCh37 (hg19) VCF-style: chr9-137708899-G-C.
Other names: c.4150G>C, p.Gly1384Arg (NM_001278074.1); short protein forms G1384R.
Identifiers: ClinVar variation 1451112 (VCV001451112.8), dbSNP rs2132858757, ClinGen allele CA375456712.